The following is an entry in ClinVar:

NM_001042492.3(NF1):c.6757G>C (p.Gly2253Arg)

Gene: NF1 (neurofibromin 1; plus strand). Cytogenetic location: 17q11.2.
Variant type: single nucleotide variant.
Coding change: c.6757G>C on transcript NM_001042492.3 (MANE Select); coding-DNA position 6757, G replaced by C.
Protein change: p.Gly2253Arg; replaces glycine 2253 with arginine.
Molecular consequence: missense variant.
Genome position (GRCh38, 1-based): chr17:31,338,077, G>C. VCF-style: chr17-31338077-G-C. GRCh37 (hg19) VCF-style: chr17-29665095-G-C.
Other names: c.6694G>C, p.Gly2232Arg (NM_000267.4); short protein forms G2232R, G2253R.
Identifiers: ClinVar variation 2699382 (VCV002699382.3), dbSNP rs2151558200, ClinGen allele CA399014092.
Genomic context (GRCh38, chr17:31,338,077, plus strand): 5'-AATTGCAGATTTGCATTCCAATATAATCCATCCCTGCAACCAAGAGCTCTTGTTGTCTTT[G>C]GGTGTATTAGCAAACGAGTGTCTCATGGGCAGATAAAGCAGATAATCCGTATTCTTAGCA-3'
Protein context (NP_001035957.1, residues 2243-2263): SLQPRALVVF[Gly2253Arg]CISKRVSHGQ

ClinVar aggregate classification (germline): Uncertain significance (1 of 4 stars; one submission).

Conditions:
Neurofibromatosis, type 1 (NF1). Also called: Peripheral type neurofibromatosis; VON RECKLINGHAUSEN DISEASE; Neurofibromatosis, type I; NEUROFIBROMATOSIS, TYPE I, SOMATIC. Identifiers: Orphanet 636, MedGen C0027831, MONDO:0018975, OMIM 162200. Disease mechanism: loss of function.

Submission:

Labcorp Genetics (formerly Invitae), Labcorp
Classification: Uncertain significance for Neurofibromatosis, type 1. Last evaluated: 2023-11-28. Review status: criteria provided, single submitter. Criteria: Invitae Variant Classification Sherloc (09022015). Collection method: clinical testing. Allele origin: germline.
Comment: This sequence change replaces glycine, which is neutral and non-polar, with arginine, which is basic and polar, at codon 2232 of the NF1 protein (p.Gly2232Arg). This variant is not present in population databases (gnomAD no frequency). This variant has not been reported in the literature in individuals affected with NF1-related conditions. Advanced modeling of protein sequence and biophysical properties (such as structural, functional, and spatial information, amino acid conservation, physicochemical variation, residue mobility, and thermodynamic stability) performed at Invitae indicates that this missense variant is expected to disrupt NF1 protein function with a positive predictive value of 95%. In summary, the available evidence is currently insufficient to determine the role of this variant in disease. Therefore, it has been classified as a Variant of Uncertain Significance.